The following is an entry in ClinVar:

NM_001127178.3(PIGG):c.570+1G>A

Gene: PIGG (phosphatidylinositol glycan anchor biosynthesis class G (EMM blood group); plus strand). Cytogenetic location: 4p16.3.
Variant type: single nucleotide variant.
Coding change: c.570+1G>A on transcript NM_001127178.3 (MANE Select); the canonical splice donor site of the intron after coding-DNA position 570, G replaced by A.
Molecular consequence: splice donor variant. On other transcripts: intron variant (1).
Genome position (GRCh38, 1-based): chr4:505,928, G>A. VCF-style: chr4-505928-G-A. GRCh37 (hg19) VCF-style: chr4-499717-G-A.
Other names: c.-643+1G>A (NM_001345994.2); c.303+1G>A (NM_001345986.2, NM_001345987.2, NM_001289051.2 and 2 more transcripts); c.-918+1G>A (NM_001345991.2); c.-318+1G>A (NM_001345988.2); c.-1056+1G>A (NM_001345990.2); c.570+1G>A (NM_017733.5, NM_001345989.2); c.361-2901G>A (NM_001289052.2); c.204+1G>A (NM_001289055.2).
Identifiers: ClinVar variation 1324906 (VCV001324906.11), dbSNP rs1719513784, ClinGen allele CA355896154.

ClinVar aggregate classification (germline): Pathogenic/Likely pathogenic. Review status: criteria provided, multiple submitters, no conflicts (2 of 4 stars). 2 submissions from 2 submitters: Pathogenic (1); Likely pathogenic (1). Last evaluated 2021-07-04.

Conditions:
Intellectual disability, autosomal recessive 53 (NEDHSCA). Also called: NEURODEVELOPMENTAL DISORDER WITH OR WITHOUT HYPOTONIA, SEIZURES, AND CEREBELLAR ATROPHY; GLYCOSYLPHOSPHATIDYLINOSITOL BIOSYNTHESIS DEFECT 13; Mental retardation, autosomal recessive 53. Identifiers: Orphanet 488635, MedGen C4310794, MONDO:0014832, OMIM 616917.

Submissions (2):

Labcorp Genetics (formerly Invitae), Labcorp
Classification: Pathogenic for Intellectual disability, autosomal recessive 53. Last evaluated: 2021-07-04. Review status: criteria provided, single submitter. Criteria: Invitae Variant Classification Sherloc (09022015). Collection method: clinical testing. Allele origin: germline.
Comment: This variant is not present in population databases (ExAC no frequency). This sequence change affects a donor splice site in intron 3 of the PIGG gene. It is expected to disrupt RNA splicing. Variants that disrupt the donor or acceptor splice site typically lead to a loss of protein function (PMID: 16199547), and loss-of-function variants in PIGG are known to be pathogenic (PMID: 26996948, 28581210, 28771251). This variant has been observed in individual(s) with clinical features of PIGG-related conditions (Invitae). In at least one individual the data is consistent with the variant being in trans (on the opposite chromosome) from a pathogenic variant. For these reasons, this variant has been classified as Pathogenic.

Revvity Omics, Revvity
Classification: Likely pathogenic. Last evaluated: 2020-08-28. Review status: criteria provided, single submitter. Criteria: ACMG Guidelines, 2015. Collection method: clinical testing. Allele origin: germline.

Literature cited by the submitters: PubMed 16199547 (cited by Labcorp Genetics (formerly Invitae), Labcorp); PubMed 26996948 (cited by Labcorp Genetics (formerly Invitae), Labcorp); PubMed 28581210 (cited by Labcorp Genetics (formerly Invitae), Labcorp); PubMed 28771251 (cited by Labcorp Genetics (formerly Invitae), Labcorp).